The following is an entry in ClinVar:

NM_002024.6(FMR1):c.-110_-103GGC[2]GGAGGCGGCGG[1]

Genes: FMR1 (fragile X messenger ribonucleoprotein 1; plus strand), FRAXA (fragile site, folic acid type, rare, fra(X)(q27.3) A; plus strand), LOC107032825 (origin of replication in 5' region of FMR1; plus strand), LOC129929053 (ATAC-STARR-seq lymphoblastoid silent region 21039; plus strand). Cytogenetic location: Xq27.3.
Variant type: Microsatellite.
Coding change: c.-110_-103GGC[2]GGAGGCGGCGG[1] on transcript NM_002024.6 (MANE Select).
Molecular consequence: 5 prime UTR variant. On other transcripts: non-coding transcript variant (2).
Genome position: GRCh38 VCF-style: chrX-147912069-C-CGGCGGCGGA. GRCh37 (hg19) VCF-style: chrX-146993587-C-CGGCGGCGGA.
Other names: c.-110_-103GGC[2]GGAGGCGGCGG[1] (NM_001185075.2, NM_001185076.2, NM_001185081.2 and 1 more transcripts).
Identifiers: ClinVar variation 2661588 (VCV002661588.22), dbSNP rs1557173853.
Genomic context (GRCh38, chrX:147,912,069, plus strand): 5'-GGCGGTGACGGAGGCGCCGCTGCCAGGGGGCGTGCGGCAGCGCGGCGGCGGCGGCGGCGG[C>CGGCGGCGGA]GGCGGCGGCGGAGGCGGCGGCGGCGGCGGCGGCGGCGGCGGCTGGGCCTCGAGCGCCCGC-3'

ClinVar aggregate classification (germline): Likely benign (1 of 4 stars; one submission).

Submission:

CeGaT Center for Human Genetics Tuebingen
Classification: Likely benign. Last evaluated: 2026-09-01. Review status: criteria provided, single submitter. Criteria: CeGaT Center For Human Genetics Tuebingen Variant Classification Criteria Version 2. Collection method: clinical testing. Allele origin: germline. Affected: yes. Observed: 6 variant alleles.
Comment: FMR1: BS2